The following is an entry in ClinVar:

ClinVar aggregate classification (germline): Uncertain significance (1 of 4 stars; one submission).

Conditions:
Inborn genetic diseases. Identifiers: MedGen C0950123, MeSH D030342.

Submission:

Ambry Genetics
Classification: Uncertain significance for Inborn genetic diseases. Last evaluated: 2021-04-28. Review status: criteria provided, single submitter. Criteria: Ambry Variant Classification Scheme 2023. Collection method: clinical testing. Allele origin: germline.
Comment: The c.754A>C (p.S252R) alteration is located in exon 5 (coding exon 4) of the PCK1 gene. This alteration results from a A to C substitution at nucleotide position 754, causing the serine (S) at amino acid position 252 to be replaced by an arginine (R). The p.S252R alteration is predicted to be tolerated by in silico analysis. Based on insufficient or conflicting evidence, the clinical significance of this alteration remains unclear.

NM_002591.4(PCK1):c.754A>C (p.Ser252Arg)

Gene: PCK1 (phosphoenolpyruvate carboxykinase 1; plus strand). Cytogenetic location: 20q13.31.
Variant type: single nucleotide variant.
Coding change: c.754A>C on transcript NM_002591.4 (MANE Select); coding-DNA position 754, A replaced by C.
Protein change: p.Ser252Arg; replaces serine 252 with arginine.
Molecular consequence: missense variant.
Genome position (GRCh38, 1-based): chr20:57,563,171, A>C. VCF-style: chr20-57563171-A-C. GRCh37 (hg19) VCF-style: chr20-56138227-A-C.
Other names: short protein forms S252R.
Identifiers: ClinVar variation 2405497 (VCV002405497.2), dbSNP rs778879335, ClinGen allele CA409435655.